The following is an entry in ClinVar:

NM_001130987.2(DYSF):c.1450-1G>A

Gene: DYSF (dysferlin; plus strand). Cytogenetic location: 2p13.2.
Variant type: single nucleotide variant.
Coding change: c.1450-1G>A on transcript NM_001130987.2 (MANE Select); the canonical splice acceptor site of the intron before coding-DNA position 1450, G replaced by A.
Molecular consequence: splice acceptor variant.
Genome position (GRCh38, 1-based): chr2:71,535,267, G>A. VCF-style: chr2-71535267-G-A. GRCh37 (hg19) VCF-style: chr2-71762397-G-A.
Other names: NM_003494.4:c.1354-1G>A; c.1447-1G>A (NM_001130979.2, NM_001130981.2, NM_001130980.2); c.1354-1G>A (NM_001130978.2, NM_003494.4, NM_001130977.2 and 1 more transcripts); c.1450-1G>A (NM_001130982.2, NM_001130985.2); c.1357-1G>A (NM_001130983.2, NM_001130455.2, NM_001130984.2 and 1 more transcripts).
Identifiers: ClinVar variation 3571436 (VCV003571436.1).

ClinVar aggregate classification (germline): Pathogenic (3 of 4 stars; one submission).

Conditions:
Autosomal recessive limb-girdle muscular dystrophy. Identifiers: Orphanet 102015, MedGen C2931907, MONDO:0015152.

Submission:

ClinGen Limb Girdle Muscular Dystrophy Variant Curation Expert Panel, ClinGen
Classification: Pathogenic for Autosomal recessive limb-girdle muscular dystrophy. Last evaluated: 2025-01-09. Review status: reviewed by expert panel. Criteria: ClinGen LGMD VCEP ACMG Specifications DYSF V1.0.0. Collection method: curation. Allele origin: germline. Inheritance: Autosomal recessive inheritance.
Comment: The NM_003494.4: c.1354-1G>A variant in DYSF, which is also known as NM_001130987.2: c.1450-1G>A, occurs within the canonical splice acceptor site of intron 14. It is predicted to cause skipping of biologically relevant exon 15/55, resulting in an in-frame deletion of 15 amino acids (PVS1_Moderate). This variant has been identified in trans with a pathogenic variant in at least one individual with limb girdle muscular dystrophy (c.5835_5838delCCAG p.(Gln1946TrpfsTer19), 1.0 pt, PMID: 19528035). At least one patient with this variant displayed progressive limb girdle muscle weakness and absent dysferlin protein expression, which is highly specific for DYSF-associated LGMD (PP4_Strong, PMID: 19528035). The variant was also reported to co-segregate with the disease in 1 affected family member (PMID: 19528035; PP1). This variant is absent from gnomAD v2.1.1 and v3.1.2 (PM2_Supporting). In summary, this variant meets the criteria to be classified as Pathogenic for autosomal recessive limb girdle muscular dystrophy based on the ACMG/AMP criteria applied, as specified by the ClinGen LGMD VCEP (LGMD VCEP specifications version 1.0.0; 01/09/2025): PVS1_Moderate, PM3, PP4_Strong, PP1, PM2_Supporting.